The following is an entry in ClinVar:

NM_000049.4(ASPA):c.244dup (p.Met82fs)

Genes: ASPA (aspartoacylase; plus strand), SPATA22 (spermatogenesis associated 22; minus strand). Cytogenetic location: 17p13.2.
Variant type: Duplication.
Coding change: c.244dup on transcript NM_000049.4 (MANE Select); coding-DNA position 244, one base duplicated (A; older notation c.244dupA).
Protein change: p.Met82fs; shifts the reading frame from methionine 82.
Molecular consequence: frameshift variant. On other transcripts: intron variant (2).
Genome position (GRCh38, 1-based): chr17:3,481,610, A duplicated; the last of 7 consecutive A bases (chr17:3,481,604-3,481,610); duplicating any one gives the same sequence. VCF-style (leftmost placement, unchanged base first): chr17-3481603-C-CA. GRCh37 (hg19) VCF-style: chr17-3384897-C-CA.
Other names: c.244dup, p.Met82fs (NM_001128085.1); c.-73-12206dup (NM_001321336.2, NM_001321337.2); c.244dupA (NM_000049.2); short protein forms M82fs.
Identifiers: ClinVar variation 370554 (VCV000370554.34), dbSNP rs756198538, ClinGen allele CA8288880.
Genomic context (GRCh38, chr17:3,481,603, plus strand): 5'-ATATGTTTATATTATCTCAGGCACAGATGTTGTTCATCTTTTTCTTTCTGCTTATAACAG[C>CA]AAAAAAATGTCAGAAGATTTGCCATATGAAGTGAGAAGGGCTCAAGAAATAAATCATTTA-3'

ClinVar aggregate classification (germline): Pathogenic. Review status: criteria provided, multiple submitters, no conflicts (2 of 4 stars). 10 submissions from 10 submitters: Pathogenic (9). 1 of the submissions does not count toward it. Last evaluated 2025-11-18.

Conditions:
Spongy degeneration of central nervous system. Also called: Canavan disease; AMINOACYLASE 2 DEFICIENCY; ACY2 DEFICIENCY; ASP DEFICIENCY; ASPA DEFICIENCY; ASPARTOACYLASE DEFICIENCY. Identifiers: Orphanet 141, MedGen C0206307, MONDO:0010079, OMIM 271900.
ASPA-related disorder. Also called: ASPA-related condition.
Inborn genetic diseases. Identifiers: MedGen C0950123, MeSH D030342.
Canavan Disease, Familial Form. Identifiers: MedGen C0751663.

Submissions (10):

Labcorp Genetics (formerly Invitae), Labcorp
Classification: Pathogenic for Spongy degeneration of central nervous system. Last evaluated: 2025-11-18. Review status: criteria provided, single submitter. Criteria: Invitae Variant Classification Sherloc (09022015). Collection method: clinical testing. Allele origin: germline.
Comment: This sequence change creates a premature translational stop signal (p.Met82Asnfs*8) in the ASPA gene. It is expected to result in an absent or disrupted protein product. Loss-of-function variants in ASPA are known to be pathogenic (PMID: 12638939). This variant is present in population databases (rs756198538, gnomAD 0.002%). This premature translational stop signal has been observed in individual(s) with clinical features of Canavan disease (PMID: 10407784, 10909858, 12638939). This variant is also known as 245insA or 244–245insA. ClinVar contains an entry for this variant (Variation ID: 370554). For these reasons, this variant has been classified as Pathogenic.

Natera, Inc.
Classification: Pathogenic for Canavan Disease. Last evaluated: 2025-09-15. Review status: criteria provided, single submitter. Criteria: Natera Variant Classification Schema (03/2026). Collection method: clinical testing. Allele origin: germline.
Comment: The c.244dupA variant in ASPA is a frameshift variant predicted to shift the reading frame beginning at codon 82 and leads to a stop codon 8 codons downstream. This variant is expected to result in nonsense mediated decay, truncation, or a dysfunctional protein product. This variant is rare in the general population with a frequency below the threshold expected for the associated phenotype(s). This variant has been observed in one or more individuals affected with the associated recessive disease, as either homozygous or compound heterozygous with a second variant (PMID: 33547378). Given the available evidence, this variant is classified as Pathogenic.

Revvity Omics, Revvity
Classification: Pathogenic for Spongy degeneration of central nervous system. Last evaluated: 2025-01-14. Review status: criteria provided, single submitter. Criteria: ACMG Guidelines, 2015. Collection method: clinical testing. Allele origin: germline.

Blueprint Genetics
Classification: Pathogenic for ASPA-related disorders. Last evaluated: 2023-09-11. Review status: criteria provided, single submitter. Criteria: ACMG Guidelines, 2015. Collection method: clinical testing. Allele origin: germline. Affected: yes. Observed: 2 variant alleles.

GeneDx
Classification: Pathogenic. Last evaluated: 2022-03-22. Review status: criteria provided, single submitter. Criteria: GeneDx Variant Classification Process June 2021. Collection method: clinical testing. Allele origin: germline. Affected: yes.
Comment: Frameshift variant predicted to result in protein truncation or nonsense mediated decay in a gene for which loss of function is a known mechanism of disease; Not observed at significant frequency in large population cohorts (gnomAD); This variant is associated with the following publications: (PMID: 10407784, 12205125)

Genome-Nilou Lab
Classification: Pathogenic for Spongy degeneration of central nervous system. Last evaluated: 2021-11-07. Review status: criteria provided, single submitter. Criteria: ACMG Guidelines, 2015. Collection method: clinical testing. Allele origin: germline. Affected: no.

Genomic Research Center, Shahid Beheshti University of Medical Sciences
Classification: Pathogenic for Spongy degeneration of central nervous system. Last evaluated: 2020-05-03. Review status: criteria provided, single submitter. Criteria: ACMG Guidelines, 2015. Collection method: clinical testing. Allele origin: unknown. Affected: yes.

Women's Health and Genetics/Laboratory Corporation of America, LabCorp
Classification: Pathogenic for Canavan Disease, Familial Form. Last evaluated: 2018-05-29. Review status: criteria provided, single submitter. Criteria: LabCorp Variant Classification Summary - May 2015. Collection method: clinical testing. Allele origin: germline.
Comment: Variant summary: ASPA c.244dupA (p.Met82AsnfsX8) results in a premature termination codon, predicted to cause a truncation of the encoded protein or absence of the protein due to nonsense mediated decay, which are commonly known mechanisms for disease. Truncations downstream of this position have been classified as pathogenic by our laboratory (eg. c.631G>T, p.Glu211X; c.693C>A, p.Tyr231X). The variant allele was found at a frequency of 7.3e-06 in 275364 control chromosomes. This frequency is lower than expected for a pathogenic variant in ASPA causing Canavan Disease (7.3e-06 vs 0.0079), allowing no conclusion about variant significance. The c.244dupA has been reported in the literature in individuals affected with a confirmed diagnosis of Canavan Disease, by the demonstration of increased levels of NAA in urine as well as aspartoacylase deficiency detected in skin fibroblasts. These data indicate that the variant is likely to be associated with disease. To our knowledge, no direct experimental evidence demonstrating an impact on protein function has been reported, although it is expected to result in a complete lack of activity (Elpeleg_1999). Other frameshifts in this region (c.244delA and c.244_245delAT) have been reported in pts with Canavan Disease with complete lack of enzymatic activity ((Zeng_2002). One clinical diagnostic laboratory has submitted clinical-significance assessments for this variant to ClinVar after 2014 without evidence for independent evaluation. One laboratory classified the variant as pathogenic/likely pathogenic. Based on the evidence outlined above, the variant was classified as pathogenic.

Ambry Genetics
Classification: Pathogenic for Inborn genetic diseases. Last evaluated: 2015-09-01. Review status: criteria provided, single submitter. Criteria: Ambry Variant Classification Scheme 2023. Collection method: clinical testing. Allele origin: germline.
Comment: The c.244dupA pathogenic mutation, located in coding exon 2 of the ASPA gene, results from a duplication of A at nucleotide position 244, causing a translational frameshift with a predicted alternate stop codon. This mutation is also called c.245insA in the literature. This mutation has also been detected in four alleles from unrelated non-Ashkenazi Jewish individuals with Canavan disease (Elpeleg ON, et al. J. Inherit. Metab. Dis. 1999;22(4):531-4; Zeng BJ, et al. Mol. Genet. Metab;89(1-2):156-63). In addition to the clinical data presented in the literature, since frameshifts are typically deleterious in nature, this alteration is interpreted as a disease-causing mutation (ACMG Recommendations for Standards for Interpretation and Reporting of Sequence Variations. Revision 2007. Genet Med. 2008;10:294).

Counsyl
Classification: Likely pathogenic for Spongy degeneration of central nervous system. Last evaluated: 2016-02-26. Review status: no assertion criteria provided. Collection method: clinical testing. Allele origin: unknown. Not counted in ClinVar's aggregate classification.

Literature cited by the submitters: PubMed 12638939 (cited by Labcorp Genetics (formerly Invitae), Labcorp and Counsyl); PubMed 10407784 (cited by 4 submitters); PubMed 10909858 (cited by Labcorp Genetics (formerly Invitae), Labcorp and Women's Health and Genetics/Laboratory Corporation of America, LabCorp); PubMed 33547378 (cited by Natera, Inc.); PubMed 12205125 (cited by Ambry Genetics); PubMed 16854607 (cited by Ambry Genetics).